The following is an entry in ClinVar:

NM_001242896.3(DEPDC5):c.530T>G (p.Met177Arg)

Gene: DEPDC5 (DEP domain containing 5, GATOR1 subcomplex subunit; plus strand). Cytogenetic location: 22q12.2.
Variant type: single nucleotide variant.
Coding change: c.530T>G on transcript NM_001242896.3 (MANE Select); coding-DNA position 530, T replaced by G.
Protein change: p.Met177Arg; replaces methionine 177 with arginine.
Molecular consequence: missense variant. On other transcripts: non-coding transcript variant (5).
Genome position (GRCh38, 1-based): chr22:31,783,953, T>G. VCF-style: chr22-31783953-T-G. GRCh37 (hg19) VCF-style: chr22-32179939-T-G.
Other names: c.530T>G, p.Met177Arg (NM_001007188.4, NM_001136029.4, NM_001242897.2 and 7 more transcripts); c.446T>G, p.Met149Arg (NM_001369901.1, NM_001369902.1); short protein forms M149R, M177R.
Identifiers: ClinVar variation 1029136 (VCV001029136.1), dbSNP rs2084718245, ClinGen allele CA411285749.

ClinVar aggregate classification (germline): Uncertain significance (1 of 4 stars; one submission).

Conditions:
Epilepsy, familial focal, with variable foci 1 (FFEVF1). Also called: DEPDC5-Related Epilepsy. Identifiers: MedGen C4551983, MONDO:0024556, OMIM 604364.

Submission:

Baylor Genetics
Classification: Uncertain significance for Epilepsy, familial focal, with variable foci 1. Last evaluated: 2019-11-20. Review status: criteria provided, single submitter. Criteria: ACMG Guidelines, 2015. Collection method: clinical testing. Allele origin: unknown. Affected: yes.
Comment: This variant was determined to be of uncertain significance according to ACMG Guidelines, 2015 [PMID:25741868].